The following is an entry in ClinVar:

ClinVar aggregate classification (germline): Uncertain significance (1 of 4 stars; one submission).

Conditions:
Hereditary cancer-predisposing syndrome. Also called: Neoplastic Syndromes, Hereditary; Tumor predisposition; Hereditary Cancer Syndrome; Hereditary neoplastic syndrome. Identifiers: Orphanet 140162, MedGen C0027672, MeSH D009386, MONDO:0015356.

Submission:

Ambry Genetics
Classification: Uncertain significance for Hereditary cancer-predisposing syndrome. Last evaluated: 2024-01-19. Review status: criteria provided, single submitter. Criteria: Ambry Variant Classification Scheme 2023. Collection method: clinical testing. Allele origin: germline.
Comment: The p.V328A variant (also known as c.983T>C), located in coding exon 8 of the MRE11A gene, results from a T to C substitution at nucleotide position 983. The valine at codon 328 is replaced by alanine, an amino acid with similar properties. This amino acid position is highly conserved in available vertebrate species. In addition, this alteration is predicted to be tolerated by in silico analysis. Since supporting evidence is limited at this time, the clinical significance of this alteration remains unclear.

NM_005591.4(MRE11):c.983T>C (p.Val328Ala)

Gene: MRE11 (MRE11 double strand break repair nuclease; minus strand). Cytogenetic location: 11q21.
Variant type: single nucleotide variant.
Coding change: c.983T>C on transcript NM_005591.4 (MANE Select); coding-DNA position 983, T replaced by C.
Protein change: p.Val328Ala; replaces valine 328 with alanine.
Molecular consequence: missense variant.
Genome position (GRCh38, 1-based): chr11:94,470,505, A>G on the plus strand (T>C on the coding strand, the complement: MRE11 is on the minus strand). VCF-style: chr11-94470505-A-G. GRCh37 (hg19) VCF-style: chr11-94203671-A-G.
Other names: c.983T>C, p.Val328Ala (NM_001330347.2, NM_005590.4); short protein forms V328A.
Identifiers: ClinVar variation 1799617 (VCV001799617.2), dbSNP rs587782314, ClinGen allele CA6235252.